The following is an entry in ClinVar:

NM_018297.4(NGLY1):c.1409G>A (p.Gly470Asp)

Gene: NGLY1 (N-glycanase 1; minus strand). Cytogenetic location: 3p24.2.
Variant type: single nucleotide variant.
Coding change: c.1409G>A on transcript NM_018297.4 (MANE Select); coding-DNA position 1409, G replaced by A.
Protein change: p.Gly470Asp; replaces glycine 470 with aspartic acid.
Molecular consequence: missense variant.
Genome position (GRCh38, 1-based): chr3:25,732,335, C>T on the plus strand (G>A on the coding strand, the complement: NGLY1 is on the minus strand). VCF-style: chr3-25732335-C-T. GRCh37 (hg19) VCF-style: chr3-25773826-C-T.
Other names: c.1355G>A, p.Gly452Asp (NM_001145293.2); c.1283G>A, p.Gly428Asp (NM_001145294.2); c.1409G>A, p.Gly470Asp (NM_001145295.2); short protein forms G428D, G452D, G470D.
Identifiers: ClinVar variation 1062763 (VCV001062763.3), dbSNP rs759978728, ClinGen allele CA2289169.
Genomic context (GRCh38, chr3:25,732,335, plus strand): 5'-AGCAGGAAAGTAAAAGGATCATCATGCTAGAATGAATTAAATACCTGTAGACCCATTTCA[C>T]CTCGGGCTACTCTCCAAGCCACTGACCCAGATATTCTTCCCCCAAGTTCTCCAGGTTTAG-3'
Protein context (NP_060767.2, residues 460-480): SGSVAWRVAR[Gly470Asp]EMGLQRKETL

ClinVar aggregate classification (germline): Uncertain significance (1 of 4 stars; one submission).

Conditions:
Congenital disorder of deglycosylation (CDDG). Identifiers: MedGen C3808991, MONDO:0031376.

Allele frequency attached by ClinVar (database versions not stated): gnomAD 0.00001; TOPMed 0.00001; gnomAD exomes 0.00002 and 0.00003; ExAC 0.00004.
gnomAD v4.1: 10 of 1,613,412 alleles (0.00062%); highest among the groups gnomAD compares: Admixed American, 0.015%; no homozygotes.

Submission:

Labcorp Genetics (formerly Invitae), Labcorp
Classification: Uncertain significance for Congenital disorder of deglycosylation. Last evaluated: 2024-10-29. Review status: criteria provided, single submitter. Criteria: Invitae Variant Classification Sherloc (09022015). Collection method: clinical testing. Allele origin: germline.
Comment: This sequence change replaces glycine, which is neutral and non-polar, with aspartic acid, which is acidic and polar, at codon 470 of the NGLY1 protein (p.Gly470Asp). This variant is present in population databases (rs759978728, gnomAD 0.02%). This variant has not been reported in the literature in individuals affected with NGLY1-related conditions. ClinVar contains an entry for this variant (Variation ID: 1062763). Invitae Evidence Modeling of protein sequence and biophysical properties (such as structural, functional, and spatial information, amino acid conservation, physicochemical variation, residue mobility, and thermodynamic stability) indicates that this missense variant is not expected to disrupt NGLY1 protein function with a negative predictive value of 80%. In summary, the available evidence is currently insufficient to determine the role of this variant in disease. Therefore, it has been classified as a Variant of Uncertain Significance.